The following is an entry in ClinVar:

NM_005702.4(ERAL1):c.446G>A (p.Arg149His)

Gene: ERAL1 (Era like 12S mitochondrial rRNA chaperone 1; plus strand). Cytogenetic location: 17q11.2.
Variant type: single nucleotide variant.
Coding change: c.446G>A on transcript NM_005702.4 (MANE Select); coding-DNA position 446, G replaced by A.
Protein change: p.Arg149His; replaces arginine 149 with histidine.
Molecular consequence: missense variant. On other transcripts: non-coding transcript variant (1).
Genome position (GRCh38, 1-based): chr17:28,856,539, G>A. VCF-style: chr17-28856539-G-A. GRCh37 (hg19) VCF-style: chr17-27183557-G-A.
Other names: c.446G>A, p.Arg149His (NM_001317985.2, NM_001317986.2); c.446G>A (NM_005702.3); short protein forms R149H.
Identifiers: ClinVar variation 4019114 (VCV004019114.2).

ClinVar aggregate classification (germline): Uncertain significance. Review status: criteria provided, multiple submitters, no conflicts (2 of 4 stars). 2 submissions from 2 submitters: Uncertain significance (2). Last evaluated 2025-05-21.

Conditions:
ERAL1-related disorder. Also called: ERAL1-related condition.

Submissions (2):

PreventionGenetics, part of Exact Sciences
Classification: Uncertain significance for ERAL1-related condition. Last evaluated: 2025-05-21. Review status: criteria provided, single submitter. Criteria: ACMG Guidelines, 2015. Collection method: clinical testing. Allele origin: germline.
Comment: The ERAL1 c.446G>A variant is predicted to result in the amino acid substitution p.Arg149His. To our knowledge, this variant has not been reported in the literature. This variant is reported in 0.012% of alleles in individuals of African descent in gnomAD. At this time, the clinical significance of this variant is uncertain due to the absence of conclusive functional and genetic evidence.

Ambry Genetics
Classification: Uncertain significance. Last evaluated: 2025-05-19. Review status: criteria provided, single submitter. Criteria: Ambry Variant Classification Scheme 2023. Collection method: clinical testing. Allele origin: germline.